The following is an entry in ClinVar:

NM_133433.4(NIPBL):c.2602C>T (p.Arg868Ter)

Gene: NIPBL (NIPBL cohesin loading factor; plus strand). Cytogenetic location: 5p13.2.
Variant type: single nucleotide variant.
Coding change: c.2602C>T on transcript NM_133433.4 (MANE Select); coding-DNA position 2602, C replaced by T.
Protein change: p.Arg868Ter; replaces arginine 868 with a stop codon.
Molecular consequence: nonsense.
Genome position (GRCh38, 1-based): chr5:36,985,782, C>T. VCF-style: chr5-36985782-C-T. GRCh37 (hg19) VCF-style: chr5-36985884-C-T.
Other names: c.2602C>T, p.Arg868Ter (NM_015384.5); short protein forms R868*.
Identifiers: ClinVar variation 96337 (VCV000096337.15), dbSNP rs398124466, ClinGen allele CA224024.

ClinVar aggregate classification (germline): Pathogenic. Review status: criteria provided, multiple submitters, no conflicts (2 of 4 stars). 5 submissions from 5 submitters: Pathogenic (4). 1 of the submissions does not count toward it. Last evaluated 2024-07-23.

Conditions:
NIPBL-related disorder. Also called: NIPBL-related condition.
Cornelia de Lange syndrome 1 (CDLS1). Also called: NIPBL-Related Cornelia de Lange Syndrome; Brachmann de Lange syndrome; TYPUS DEGENERATIVUS AMSTELODAMENSIS. Identifiers: Orphanet 199, MedGen C4551851, MONDO:0007387, OMIM 122470.

Submissions (5):

GeneDx
Classification: Pathogenic. Last evaluated: 2024-07-23. Review status: criteria provided, single submitter. Criteria: GeneDx Variant Classification Process June 2021. Collection method: clinical testing. Allele origin: germline. Affected: yes.
Comment: Nonsense variant predicted to result in protein truncation or nonsense mediated decay in a gene for which loss of function is a known mechanism of disease; Not observed at significant frequency in large population cohorts (gnomAD); This variant is associated with the following publications: (PMID: 24668777, 32074972)

Genome-Nilou Lab
Classification: Pathogenic for Cornelia de Lange syndrome 1. Last evaluated: 2021-07-15. Review status: criteria provided, single submitter. Criteria: ACMG Guidelines, 2015. Collection method: clinical testing. Allele origin: germline. Affected: no.

Genetic Services Laboratory, University of Chicago
Classification: Pathogenic for Cornelia de Lange syndrome 1. Last evaluated: 2013-02-08. Review status: criteria provided, single submitter. Criteria: ACMG Guidelines, 2007. Collection method: clinical testing. Allele origin: germline. Inheritance: Autosomal dominant inheritance. Affected: yes.

Eurofins Ntd Llc (ga)
Classification: Pathogenic. Last evaluated: 2012-09-07. Review status: criteria provided, single submitter. Criteria: EGL Classification Definitions. Collection method: clinical testing. Allele origin: germline. Observed: 1 variant allele, 1 heterozygote.

PreventionGenetics, part of Exact Sciences
Classification: Pathogenic for NIPBL-related condition. Last evaluated: 2023-12-09. Review status: no assertion criteria provided. Collection method: clinical testing. Allele origin: germline. Not counted in ClinVar's aggregate classification.
Comment: The NIPBL c.2602C>T variant is predicted to result in premature protein termination (p.Arg868*). This variant was reported in individuals with Cornelia de Lange syndrome (Bettini et al 2014. PubMed ID: 24668777; Thanh DC et al 2020. PubMed ID: 32074972) and it occurred de novo (Thanh DC et al 2020. PubMed ID: 32074972). This variant has not been reported in a large population database, indicating this variant is rare. Nonsense variants in NIPBL are expected to be pathogenic. This variant is interpreted as pathogenic.